The following is an entry in ClinVar:

NM_198241.3(EIF4G1):c.2500A>G (p.Thr834Ala)

Gene: EIF4G1 (eukaryotic translation initiation factor 4 gamma 1; plus strand). Cytogenetic location: 3q27.1.
Variant type: single nucleotide variant.
Coding change: c.2500A>G on transcript NM_198241.3 (MANE Select); coding-DNA position 2500, A replaced by G.
Protein change: p.Thr834Ala; replaces threonine 834 with alanine.
Molecular consequence: missense variant.
Genome position (GRCh38, 1-based): chr3:184,324,228, A>G. VCF-style: chr3-184324228-A-G. GRCh37 (hg19) VCF-style: chr3-184042016-A-G.
Other names: c.2521A>G, p.Thr841Ala (NM_001194946.2, NM_001194947.2); c.2380A>G, p.Thr794Ala (NM_001291157.2); c.1915A>G, p.Thr639Ala (NM_004953.5); c.2503A>G, p.Thr835Ala (NM_182917.4); c.2008A>G, p.Thr670Ala (NM_198242.3); c.2239A>G, p.Thr747Ala (NM_198244.3); short protein forms T639A, T835A, T841A, T670A, T794A, T834A, T747A.
Identifiers: ClinVar variation 2251573 (VCV002251573.3), dbSNP rs1027249874, ClinGen allele CA88864840.
Genomic context (GRCh38, chr3:184,324,228, plus strand): 5'-AGTCTTGAGTGTGACATTCTCTCTGACCTACAGCTGAAAGTGCCCACTACGGAAAAGCCA[A>G]CAGTGACTGTGAACTTCCGAAAGCTGTTGTTGAATCGATGTCAGAAGGAGTTTGAGAAAG-3'
Protein context (NP_937884.2, residues 824-844): ALKVPTTEKP[Thr834Ala]VTVNFRKLLL

ClinVar aggregate classification (germline): Uncertain significance. Review status: criteria provided, multiple submitters, no conflicts (2 of 4 stars). 2 submissions from 2 submitters: Uncertain significance (2). Last evaluated 2023-12-15.

Allele frequency attached by ClinVar (database versions not stated): gnomAD 0.00001; gnomAD exomes 0.00001; TOPMed 0.00002.
gnomAD v4.1: 20 of 1,614,146 alleles (0.0012%); highest among the groups gnomAD compares: Admixed American, 0.0083%; no homozygotes.

Submissions (2):

Women's Health and Genetics/Laboratory Corporation of America, LabCorp
Classification: Uncertain significance. Last evaluated: 2023-12-15. Review status: criteria provided, single submitter. Criteria: LabCorp Variant Classification Summary - May 2015. Collection method: clinical testing. Allele origin: germline.
Comment: Variant summary: EIF4G1 c.2500A>G (p.Thr834Ala) results in a non-conservative amino acid change located in the MIF4G-like, type 3 domain (IPR003890) of the encoded protein sequence. Three of five in-silico tools predict a benign effect of the variant on protein function. Consensus agreement among computation tools predict no significant impact on normal splicing. However, these predictions have yet to be confirmed by functional studies. The variant allele was found at a frequency of 8e-06 in 251496 control chromosomes (i.e., 2 heterozygotes; gnomAD v2.1.1 Exomes dataset). The available data on variant occurrences in the general population are insufficient to allow any conclusion about variant significance. To our knowledge, no occurrence of c.2500A>G in individuals affected with Parkinson Disease 18, Autosomal Dominant, Susceptibility To and no experimental evidence demonstrating its impact on protein function have been reported. One submitter has reported clinical-significance assessments for this variant to ClinVar after 2014 and has classified the variant as uncertain significance. Based on the evidence outlined above, the variant was classified as uncertain significance.

Ambry Genetics
Classification: Uncertain significance. Last evaluated: 2021-09-17. Review status: criteria provided, single submitter. Criteria: Ambry Variant Classification Scheme 2023. Collection method: clinical testing. Allele origin: germline.